The following is an entry in ClinVar:

NM_000382.3(ALDH3A2):c.345dup (p.Val116fs)

Gene: ALDH3A2 (aldehyde dehydrogenase 3 family member A2; plus strand). Cytogenetic location: 17p11.2.
Variant type: Duplication.
Coding change: c.345dup on transcript NM_000382.3 (MANE Select); coding-DNA position 345, one base duplicated (C; older notation c.345dupC).
Protein change: p.Val116fs; shifts the reading frame from valine 116.
Molecular consequence: frameshift variant. On other transcripts: 5 prime UTR variant (1).
Genome position (GRCh38, 1-based): chr17:19,651,738, C duplicated. VCF-style (leftmost placement, unchanged base first): chr17-19651737-T-TC. GRCh37 (hg19) VCF-style: chr17-19555050-T-TC.
Other names: c.345dup, p.Val116fs (NM_001031806.2, NM_001369136.1, NM_001369137.2 and 3 more transcripts); c.-344dup (NM_001369148.2); short protein forms V116fs.
Identifiers: ClinVar variation 5015877 (VCV005015877.1).
Genomic context (GRCh38, chr17:19,651,737, plus strand): 5'-CCTATATTCAGCCACAGCCTCTGGGAGTGGTGCTGATAATCGGAGCTTGGAATTACCCCT[T>TC]CGTTCTCACCATTCAGCCACTGATAGGAGCCATCGCTGCAGGTCTGGTGCCACCTTATGT-3'

ClinVar aggregate classification (germline): Pathogenic (1 of 4 stars; one submission).

Conditions:
Sjögren-Larsson syndrome (SLS). Also called: FALDH DEFICIENCY; FATTY ALCOHOL:NAD+ OXIDOREDUCTASE DEFICIENCY; FATTY ALDEHYDE DEHYDROGENASE DEFICIENCY; ICHTHYOSIS, SPASTIC NEUROLOGIC DISORDER, AND OLIGOPHRENIA. Identifiers: Orphanet 816, MedGen C0037231, MONDO:0010031, OMIM 270200.

Submission:

Myriad Genetics, Inc.
Classification: Pathogenic for Sjögren-Larsson syndrome. Last evaluated: 2026-05-05. Review status: criteria provided, single submitter. Criteria: Myriad Autosomal Dominant, Autosomal Recessive and X-Linked Classification Criteria (2023). Collection method: clinical testing. Allele origin: unknown.
Comment: NM_000382.2(ALDH3A2):c.345dupC(V116Rfs*23) is expected to be pathogenic in the context of Sjogren-Larsson syndrome. This variant is predicted to lead to an abnormal or absent protein product due to the creation of a premature termination codon in ALDH3A2, a gene where loss-of-function variants are known to be pathogenic. Please note: this variant was assessed in the context of healthy population screening.